The following is an entry in ClinVar:

NM_005676.5(RBM10):c.2537_2537+3del

Gene: RBM10 (RNA binding motif protein 10; plus strand). Cytogenetic location: Xp11.3.
Variant type: Microsatellite.
Coding change: c.2537_2537+3del on transcript NM_005676.5 (MANE Select); coding-DNA position 2537 through 3 bases into the intron after coding-DNA position 2537, 4 bases deleted (TGTG; older notation c.2537_2537+3delTGTG).
Molecular consequence: splice donor variant.
Genome position (GRCh38, 1-based): chrX:47,186,171-47,186,174, TGTG deleted; deleting any 4 consecutive bases within chrX:47,186,169-47,186,174 gives the same sequence; the c. name uses the placement nearest the transcript's 3' end. VCF-style (leftmost placement, unchanged base first): chrX-47186168-CTGTG-C. GRCh37 (hg19) VCF-style: chrX-47045567-CTGTG-C.
Other names: c.2732_2732+3del (NM_001204468.2); c.2534_2534+3del (NM_001204467.2); c.2306_2306+3del (NM_001204466.2); c.2303_2303+3del (NM_152856.3).
Identifiers: ClinVar variation 2101188 (VCV002101188.4), dbSNP rs2521230309, ClinGen allele CA2580617023.

ClinVar aggregate classification (germline): Likely pathogenic (1 of 4 stars; one submission).

Submission:

Labcorp Genetics (formerly Invitae), Labcorp
Classification: Likely pathogenic. Last evaluated: 2022-02-21. Review status: criteria provided, single submitter. Criteria: Invitae Variant Classification Sherloc (09022015). Collection method: clinical testing. Allele origin: germline.
Comment: Algorithms developed to predict the effect of sequence changes on RNA splicing suggest that this variant may disrupt the consensus splice site. In summary, the currently available evidence indicates that the variant is pathogenic, but additional data are needed to prove that conclusively. Therefore, this variant has been classified as Likely Pathogenic. This variant has not been reported in the literature in individuals affected with RBM10-related conditions. This variant results in the deletion of part of exon 22 (c.2537_2537+3del) of the RBM10 gene. It is expected to disrupt RNA splicing. Variants that disrupt the donor or acceptor splice site typically lead to a loss of protein function (PMID: 16199547), and loss-of-function variants in RBM10 are known to be pathogenic (PMID: 20451169, 24259342). This variant is not present in population databases (gnomAD no frequency).

Literature cited by the submitters: PubMed 16199547; PubMed 20451169; PubMed 24259342.